The following is an entry in ClinVar:

ClinVar aggregate classification (germline): Uncertain significance (1 of 4 stars; one submission).

Allele frequency attached by ClinVar (database versions not stated): gnomAD 0.00001; ExAC 0.00002; TOPMed 0.00004; gnomAD exomes 0.00005; ESP Exome Variant Server 0.00008.
gnomAD v4.1: 73 of 1,613,916 alleles (0.0045%); highest among the groups gnomAD compares: Admixed American, 0.013%; no homozygotes.

Submission:

Labcorp Genetics (formerly Invitae), Labcorp
Classification: Uncertain significance. Last evaluated: 2021-10-24. Review status: criteria provided, single submitter. Criteria: Invitae Variant Classification Sherloc (09022015). Collection method: clinical testing. Allele origin: germline.
Comment: This sequence change replaces proline with leucine at codon 665 of the LAMC3 protein (p.Pro665Leu). The proline residue is highly conserved and there is a moderate physicochemical difference between proline and leucine. This variant is present in population databases (rs372168396, ExAC 0.009%). This variant has not been reported in the literature in individuals affected with LAMC3-related conditions. Algorithms developed to predict the effect of missense changes on protein structure and function (SIFT, PolyPhen-2, Align-GVGD) all suggest that this variant is likely to be tolerated. In summary, the available evidence is currently insufficient to determine the role of this variant in disease. Therefore, it has been classified as a Variant of Uncertain Significance.

NM_006059.4(LAMC3):c.1994C>T (p.Pro665Leu)

Gene: LAMC3 (laminin subunit gamma 3; plus strand). Cytogenetic location: 9q34.12.
Variant type: single nucleotide variant.
Coding change: c.1994C>T on transcript NM_006059.4 (MANE Select); coding-DNA position 1994, C replaced by T.
Protein change: p.Pro665Leu; replaces proline 665 with leucine.
Molecular consequence: missense variant.
Genome position (GRCh38, 1-based): chr9:131,056,983, C>T. VCF-style: chr9-131056983-C-T. GRCh37 (hg19) VCF-style: chr9-133932370-C-T.
Other names: short protein forms P665L.
Identifiers: ClinVar variation 1347380 (VCV001347380.3), dbSNP rs372168396, ClinGen allele CA5287300.